The following is an entry in ClinVar:

ClinVar aggregate classification (germline): Likely benign. Review status: criteria provided, multiple submitters, no conflicts (2 of 4 stars). 2 submissions from 2 submitters: Likely benign (2). Last evaluated 2026-01-26.

Conditions:
CDH23-related disorder. Also called: CDH23-related condition; CDH23-related disorders.

gnomAD v4.1: 6 of 1,613,842 alleles (0.00037%); highest among the groups gnomAD compares: African/African-American, 0.0027%; no homozygotes.

Submissions (2):

Labcorp Genetics (formerly Invitae), Labcorp
Classification: Likely benign. Last evaluated: 2026-01-26. Review status: criteria provided, single submitter. Criteria: Invitae Variant Classification Sherloc (09022015). Collection method: clinical testing. Allele origin: germline.

PreventionGenetics, part of Exact Sciences
Classification: Likely benign for CDH23-related condition. Last evaluated: 2024-12-27. Review status: criteria provided, single submitter. Criteria: ACMG Guidelines, 2015. Collection method: clinical testing. Allele origin: germline.
Comment: This variant is classified as likely benign based on ACMG/AMP sequence variant interpretation guidelines (Richards et al. 2015 PMID: 25741868, with internal and published modifications).

NM_022124.6(CDH23):c.3852G>C (p.Ser1284=)

Genes: C10orf105 (chromosome 10 open reading frame 105; minus strand), CDH23 (cadherin related 23; plus strand). Cytogenetic location: 10q22.1.
Variant type: single nucleotide variant.
Coding change: c.3852G>C on transcript NM_022124.6 (MANE Select); coding-DNA position 3852, G replaced by C.
Protein change: p.Ser1284=; no amino-acid change (serine 1284 retained).
Molecular consequence: synonymous variant. On other transcripts: intron variant (1).
Genome position (GRCh38, 1-based): chr10:71,732,123, G>C. VCF-style: chr10-71732123-G-C. GRCh37 (hg19) VCF-style: chr10-73491880-G-C.
Other names: c.3852G>C, p.Ser1284= (NM_001171930.2); c.-6+5605C>G (NM_001168390.2).
Identifiers: ClinVar variation 1146125 (VCV001146125.10), dbSNP rs372172457, ClinGen allele CA5544857.